The following is an entry in ClinVar:

NM_139027.6(ADAMTS13):c.3488G>A (p.Arg1163Gln)

Gene: ADAMTS13 (ADAM metallopeptidase with thrombospondin type 1 motif 13; plus strand). Cytogenetic location: 9q34.2.
Variant type: single nucleotide variant.
Coding change: c.3488G>A on transcript NM_139027.6 (MANE Select); coding-DNA position 3488, G replaced by A.
Protein change: p.Arg1163Gln; replaces arginine 1163 with glutamine.
Molecular consequence: missense variant. On other transcripts: non-coding transcript variant (1).
Genome position (GRCh38, 1-based): chr9:133,456,156, G>A. VCF-style: chr9-133456156-G-A. GRCh37 (hg19) VCF-style: chr9-136321278-G-A.
Other names: c.3656G>A, p.Arg1219Gln (NM_139025.5); c.3395G>A, p.Arg1132Gln (NM_139026.6); short protein forms R1132Q, R1163Q, R1219Q.
Identifiers: ClinVar variation 1163512 (VCV001163512.9), dbSNP rs782649881, ClinGen allele CA200944824.

ClinVar aggregate classification (germline): Likely pathogenic. Review status: criteria provided, multiple submitters, no conflicts (2 of 4 stars). 3 submissions from 3 submitters: Likely pathogenic (3). Last evaluated 2025-04-11.

Conditions:
Upshaw-Schulman syndrome (TTP). Also called: THROMBOTIC THROMBOCYTOPENIC PURPURA, HEREDITARY; Congenital thrombotic thrombocytopenic purpura. Identifiers: Orphanet 93583, MedGen C1268935, MONDO:0010122, OMIM 274150.

Allele frequency attached by ClinVar (database versions not stated): ExAC 0.00001; gnomAD exomes 0.00001 and 0.00002; gnomAD 0.00003 and 0.00004; TOPMed 0.00005.
gnomAD v4.1: 39 of 1,613,420 alleles (0.0024%); highest among the groups gnomAD compares: Admixed American, 0.01%; no homozygotes.

Submissions (3):

Labcorp Genetics (formerly Invitae), Labcorp
Classification: Likely pathogenic. Last evaluated: 2025-04-11. Review status: criteria provided, single submitter. Criteria: Invitae Variant Classification Sherloc (09022015). Collection method: clinical testing. Allele origin: germline.
Comment: This sequence change replaces arginine, which is basic and polar, with glutamine, which is neutral and polar, at codon 1219 of the ADAMTS13 protein (p.Arg1219Gln). This variant is present in population databases (rs782649881, gnomAD 0.003%). This missense change has been observed in individuals with autosomal recessive congenital thrombotic thrombocytopenic purpura (PMID: 24859360, 26830967, 32472955). ClinVar contains an entry for this variant (Variation ID: 1163512). An algorithm developed to predict the effect of missense changes on protein structure and function (PolyPhen-2) suggests that this variant is likely to be disruptive. This variant disrupts the p.Arg1219 amino acid residue in ADAMTS13. Other variant(s) that disrupt this residue have been determined to be pathogenic (PMID: 17003922, 29554699). This suggests that this residue is clinically significant, and that variants that disrupt this residue are likely to be disease-causing. In summary, the currently available evidence indicates that the variant is pathogenic, but additional data are needed to prove that conclusively. Therefore, this variant has been classified as Likely Pathogenic.

Mayo Clinic Laboratories, Mayo Clinic
Classification: Likely pathogenic. Last evaluated: 2025-03-19. Review status: criteria provided, single submitter. Criteria: ACMG Guidelines, 2015. Collection method: clinical testing. Allele origin: germline. Observed: 3 variant alleles.
Comment: PM2_supporting, PM3_supporting, PM5, PS4_moderate

Fulgent Genetics
Classification: Likely pathogenic for Upshaw-Schulman syndrome. Last evaluated: 2024-04-25. Review status: criteria provided, single submitter. Criteria: ACMG Guidelines, 2015. Collection method: clinical testing. Allele origin: germline.

Literature cited by the submitters: PubMed 24859360 (cited by Labcorp Genetics (formerly Invitae), Labcorp and Mayo Clinic Laboratories, Mayo Clinic); PubMed 26830967 (cited by Labcorp Genetics (formerly Invitae), Labcorp and Mayo Clinic Laboratories, Mayo Clinic); PubMed 32472955 (cited by Labcorp Genetics (formerly Invitae), Labcorp and Mayo Clinic Laboratories, Mayo Clinic); PubMed 17003922 (cited by Labcorp Genetics (formerly Invitae), Labcorp); PubMed 29554699 (cited by Labcorp Genetics (formerly Invitae), Labcorp); PubMed 30792199 (cited by Mayo Clinic Laboratories, Mayo Clinic).